The following is an entry in ClinVar:

ClinVar aggregate classification (germline): Uncertain significance (1 of 4 stars; one submission).

Conditions:
Neurodevelopmental disorder with or without hyperkinetic movements and seizures, autosomal dominant. Also called: Intellectual disability, autosomal dominant 8. Identifiers: MedGen C3280282, MONDO:0013655, OMIM 614254.

Allele frequency attached by ClinVar (database versions not stated): gnomAD exomes 0.00001.

Submission:

Labcorp Genetics (formerly Invitae), Labcorp
Classification: Uncertain significance for Neurodevelopmental disorder with or without hyperkinetic movements and seizures, autosomal dominant. Last evaluated: 2019-01-23. Review status: criteria provided, single submitter. Criteria: Invitae Variant Classification Sherloc (09022015). Collection method: clinical testing. Allele origin: germline.
Comment: This sequence change replaces serine with arginine at codon 416 of the GRIN1 protein (p.Ser416Arg). The serine residue is weakly conserved and there is a moderate physicochemical difference between serine and arginine. This variant is not present in population databases (ExAC no frequency). This variant has not been reported in the literature in individuals with GRIN1-related conditions. Algorithms developed to predict the effect of missense changes on protein structure and function (SIFT, PolyPhen-2, Align-GVGD) all suggest that this variant is likely to be tolerated, but these predictions have not been confirmed by published functional studies and their clinical significance is uncertain. In summary, the available evidence is currently insufficient to determine the role of this variant in disease. Therefore, it has been classified as a Variant of Uncertain Significance.

NM_007327.4(GRIN1):c.1248T>A (p.Ser416Arg)

Gene: GRIN1 (glutamate ionotropic receptor NMDA type subunit 1; plus strand). Cytogenetic location: 9q34.3.
Variant type: single nucleotide variant.
Coding change: c.1248T>A on transcript NM_007327.4 (MANE Select); coding-DNA position 1248, T replaced by A.
Protein change: p.Ser416Arg; replaces serine 416 with arginine.
Molecular consequence: missense variant.
Genome position (GRCh38, 1-based): chr9:137,161,106, T>A. VCF-style: chr9-137161106-T-A. GRCh37 (hg19) VCF-style: chr9-140055558-T-A.
Other names: c.1248T>A, p.Ser416Arg (NM_000832.7, NM_021569.4); c.1311T>A, p.Ser437Arg (NM_001185090.2, NM_001185091.2); short protein forms S437R, S416R.
Identifiers: ClinVar variation 852084 (VCV000852084.1), dbSNP rs1462331395, ClinGen allele CA375715937.